The following is an entry in ClinVar:

ClinVar aggregate classification (germline): Uncertain significance. Review status: criteria provided, multiple submitters, no conflicts (2 of 4 stars). 2 submissions from 2 submitters: Uncertain significance (2). Last evaluated 2025-12-14.

Conditions:
Cardiovascular phenotype. Identifiers: MedGen CN230736.
Myofibrillar myopathy 5. Also called: FILAMINOPATHY, AUTOSOMAL DOMINANT; Filaminopathy (type). Identifiers: Orphanet 171445, MedGen C1836050, MONDO:0012289, OMIM 609524.
Hypertrophic cardiomyopathy 26. Also called: Cardiomyopathy, familial hypertrophic, 26. Identifiers: Orphanet 75249, MedGen C4310749, MONDO:0014883, OMIM 617047.
Distal myopathy with posterior leg and anterior hand involvement. Also called: WILLIAMS DISTAL MYOPATHY. Identifiers: Orphanet 63273, MedGen C3279722, MONDO:0013550, OMIM 614065.

Allele frequency attached by ClinVar (database versions not stated): gnomAD exomes 0.00001.
gnomAD v4.1: 8 of 1,613,842 alleles (0.0005%); highest among the groups gnomAD compares: Non-Finnish European, 0.00068%; no homozygotes.

Submissions (2):

Labcorp Genetics (formerly Invitae), Labcorp
Classification: Uncertain significance for Distal myopathy with posterior leg and anterior hand involvement; Myofibrillar myopathy 5; Hypertrophic cardiomyopathy 26. Last evaluated: 2025-12-14. Review status: criteria provided, single submitter. Criteria: Invitae Variant Classification Sherloc (09022015). Collection method: clinical testing. Allele origin: germline.
Comment: This sequence change replaces glutamic acid, which is acidic and polar, with lysine, which is basic and polar, at codon 1620 of the FLNC protein (p.Glu1620Lys). This variant is not present in population databases (gnomAD no frequency). This variant has not been reported in the literature in individuals affected with FLNC-related conditions. ClinVar contains an entry for this variant (Variation ID: 1007222). Invitae Evidence Modeling of protein sequence and biophysical properties (such as structural, functional, and spatial information, amino acid conservation, physicochemical variation, residue mobility, and thermodynamic stability) has been performed for this missense variant. However, the output from this modeling did not meet the statistical confidence thresholds required to predict the impact of this variant on FLNC protein function. In summary, the available evidence is currently insufficient to determine the role of this variant in disease. Therefore, it has been classified as a Variant of Uncertain Significance.

Ambry Genetics
Classification: Uncertain significance for Cardiovascular phenotype. Last evaluated: 2022-12-16. Review status: criteria provided, single submitter. Criteria: Ambry Variant Classification Scheme 2023. Collection method: clinical testing. Allele origin: germline.
Comment: The p.E1620K variant (also known as c.4858G>A), located in coding exon 28 of the FLNC gene, results from a G to A substitution at nucleotide position 4858. The glutamic acid at codon 1620 is replaced by lysine, an amino acid with similar properties. This amino acid position is conserved. In addition, the in silico prediction for this alteration is inconclusive. Since supporting evidence is limited at this time, the clinical significance of this alteration remains unclear.

NM_001458.5(FLNC):c.4858G>A (p.Glu1620Lys)

Gene: FLNC (filamin C; plus strand). Cytogenetic location: 7q32.1.
Variant type: single nucleotide variant.
Coding change: c.4858G>A on transcript NM_001458.5 (MANE Select); coding-DNA position 4858, G replaced by A.
Protein change: p.Glu1620Lys; replaces glutamic acid 1620 with lysine.
Molecular consequence: missense variant.
Genome position (GRCh38, 1-based): chr7:128,848,913, G>A. VCF-style: chr7-128848913-G-A. GRCh37 (hg19) VCF-style: chr7-128488967-G-A.
Other names: c.4858G>A (NM_001458.4); c.4858G>A, p.Glu1620Lys (NM_001127487.2); short protein forms E1620K.
Identifiers: ClinVar variation 1007222 (VCV001007222.9), dbSNP rs1808685152, ClinGen allele CA369203370.
Genomic context (GRCh38, chr7:128,848,913, plus strand): 5'-GTGTCCTACCTGCCGGACATGAGTGGCCGGTACACCATCACCATCAAGTATGGCGGTGAT[G>A]AGATCCCCTACTCGCCCTTCCGCATCCATGCTCTGCCCACTGGGGATGCCAGCAAGTGCC-3'
Protein context (NP_001449.3, residues 1610-1630): YTITIKYGGD[Glu1620Lys]IPYSPFRIHA